The following is an entry in ClinVar:

ClinVar aggregate classification (germline): Uncertain significance. Review status: criteria provided, multiple submitters, no conflicts (2 of 4 stars). 2 submissions from 2 submitters: Uncertain significance (2). Last evaluated 2025-08-19.

Conditions:
Inborn genetic diseases. Identifiers: MedGen C0950123, MeSH D030342.

Allele frequency attached by ClinVar (database versions not stated): gnomAD exomes below 0.00001.
gnomAD v4.1: 2 of 1,614,022 alleles (0.00012%); highest among the groups gnomAD compares: Non-Finnish European, 0.000085%; no homozygotes.

Submissions (2):

Ambry Genetics
Classification: Uncertain significance for Inborn genetic diseases. Last evaluated: 2025-08-19. Review status: criteria provided, single submitter. Criteria: Ambry Variant Classification Scheme 2023. Collection method: clinical testing. Allele origin: germline.

Labcorp Genetics (formerly Invitae), Labcorp
Classification: Uncertain significance. Last evaluated: 2021-12-02. Review status: criteria provided, single submitter. Criteria: Invitae Variant Classification Sherloc (09022015). Collection method: clinical testing. Allele origin: germline.
Comment: This variant is not present in population databases (gnomAD no frequency). This sequence change replaces glycine, which is neutral and non-polar, with arginine, which is basic and polar, at codon 57 of the PDZD7 protein (p.Gly57Arg). This variant has not been reported in the literature in individuals affected with PDZD7-related conditions. In summary, the available evidence is currently insufficient to determine the role of this variant in disease. Therefore, it has been classified as a Variant of Uncertain Significance. Algorithms developed to predict the effect of sequence changes on RNA splicing suggest that this variant may create or strengthen a splice site. Algorithms developed to predict the effect of missense changes on protein structure and function are either unavailable or do not agree on the potential impact of this missense change (SIFT: "Deleterious"; PolyPhen-2: "Not Available"; Align-GVGD: "Class C65").

NM_001195263.2(PDZD7):c.169G>A (p.Gly57Arg)

Gene: PDZD7 (PDZ domain containing 7; minus strand). Cytogenetic location: 10q24.31.
Variant type: single nucleotide variant.
Coding change: c.169G>A on transcript NM_001195263.2 (MANE Select); coding-DNA position 169, G replaced by A.
Protein change: p.Gly57Arg; replaces glycine 57 with arginine.
Molecular consequence: missense variant.
Genome position (GRCh38, 1-based): chr10:101,030,051, C>T on the plus strand (G>A on the coding strand, the complement: PDZD7 is on the minus strand). VCF-style: chr10-101030051-C-T. GRCh37 (hg19) VCF-style: chr10-102789808-C-T.
Other names: c.169G>A, p.Gly57Arg (NM_001351044.2, NM_024895.5); c.169G>A (NM_001195263.1); short protein forms G57R.
Identifiers: ClinVar variation 2024301 (VCV002024301.5), dbSNP rs2493052559, ClinGen allele CA378231266.